The following is an entry in ClinVar:

ClinVar aggregate classification (germline): Pathogenic/Likely pathogenic. Review status: criteria provided, multiple submitters, no conflicts (2 of 4 stars). 2 submissions from 2 submitters: Pathogenic (1); Likely pathogenic (1). Last evaluated 2025-08-01.

Conditions:
Primary ciliary dyskinesia. Also called: Ciliary dyskinesia. Identifiers: Orphanet 244, MedGen C0008780, MONDO:0016575, HP:0012265.
Retinitis pigmentosa 3. Also called: CHOROIDORETINAL DEGENERATION WITH RETINAL REFLEX IN HETEROZYGOUS WOMEN. Identifiers: Orphanet 791, MedGen C1845667, MONDO:0010227, OMIM 300029.

Submissions (2):

Labcorp Genetics (formerly Invitae), Labcorp
Classification: Pathogenic for Primary ciliary dyskinesia. Last evaluated: 2025-08-01. Review status: criteria provided, single submitter. Criteria: Invitae Variant Classification Sherloc (09022015). Collection method: clinical testing. Allele origin: germline.
Comment: This sequence change creates a premature translational stop signal (p.Gly953Argfs*138) in the RPGR (ORF15) gene. While this is not anticipated to result in nonsense mediated decay, it is expected to disrupt the last 200 amino acid(s) of the RPGR (ORF15) protein. The frequency data for this variant in the population databases is considered unreliable, as metrics indicate insufficient coverage at this position in the gnomAD database. This variant has not been reported in the literature in individuals affected with RPGR (ORF15)-related conditions. ClinVar contains an entry for this variant (Variation ID: 3767370). This variant disrupts a region of the RPGR (ORF15) protein in which other variant(s) (p.Glu965Glyfs*124) have been determined to be pathogenic (PMID: 10932196; internal data). This suggests that this is a clinically significant region of the protein, and that variants that disrupt it are likely to be disease-causing. For these reasons, this variant has been classified as Pathogenic.

SingHealth Duke-NUS Institute of Precision Medicine
Classification: Likely pathogenic for Retinitis pigmentosa 3. Last evaluated: 2025-02-05. Review status: criteria provided, single submitter. Criteria: PRISM ACMG Classification Criteria. Collection method: clinical testing. Allele origin: germline. Affected: yes.
Comment: Variant is predicted to cause LOF (PVS1)

Literature cited by the submitters: PubMed 10932196 (cited by Labcorp Genetics (formerly Invitae), Labcorp).

NM_001034853.2(RPGR):c.2851_2855dup (p.Gly953fs)

Gene: RPGR (retinitis pigmentosa GTPase regulator; minus strand). Cytogenetic location: Xp11.4.
Variant type: Duplication.
Coding change: c.2851_2855dup on transcript NM_001034853.2 (MANE Select); coding-DNA positions 2851 to 2855, 5 bases duplicated (GAGGA; older notation c.2851_2855dupGAGGA).
Protein change: p.Gly953fs; shifts the reading frame from glycine 953.
Molecular consequence: frameshift variant. On other transcripts: intron variant (8).
Genome position (GRCh38, 1-based): chrX:38,286,144-38,286,148, TCCTC duplicated on the plus strand (GAGGA on the coding strand, the reverse complement: RPGR is on the minus strand). VCF-style (leftmost placement, unchanged base first): chrX-38286143-T-TTCCTC. GRCh37 (hg19) VCF-style: chrX-38145396-T-TTCCTC.
Other names: c.1569+4811_1569+4815dup (NM_001367249.1, NM_001367250.1); c.1902+946_1902+950dup (NM_001367245.1); c.1386+4811_1386+4815dup (NM_001367251.1); c.1719+946_1719+950dup (NM_001367246.1); c.1572+4811_1572+4815dup (NM_001367247.1); c.1905+946_1905+950dup (NM_000328.3); c.1602+4811_1602+4815dup (NM_001367248.1); short protein forms G953fs.
Identifiers: ClinVar variation 3767370 (VCV003767370.2).